The following is an entry in ClinVar:

NM_000059.4(BRCA2):c.8008_8030del (p.Ser2670fs)

Gene: BRCA2 (BRCA2 DNA repair associated; plus strand). Cytogenetic location: 13q13.1.
Variant type: Deletion.
Coding change: c.8008_8030del on transcript NM_000059.4 (MANE Select); coding-DNA positions 8008 to 8030, 23 bases deleted (TCGGCTATAAAAAAGATAATGGA).
Protein change: p.Ser2670fs; shifts the reading frame from serine 2670.
Molecular consequence: frameshift variant.
Genome position (GRCh38, 1-based): chr13:32,363,210-32,363,232, TCGGCTATAAAAAAGATAATGGA deleted; deleting any 23 consecutive bases within chr13:32,363,208-32,363,232 gives the same sequence; the c. name uses the placement nearest the transcript's 3' end. VCF-style (leftmost placement, unchanged base first): chr13-32363207-AGATCGGCTATAAAAAAGATAATG-A. GRCh37 (hg19) VCF-style: chr13-32937344-AGATCGGCTATAAAAAAGATAATG-A.
Other names: 8234 del23 2672 X; pSer2670fs; short protein forms S2670fs.
Identifiers: ClinVar variation 267049 (VCV000267049.3), dbSNP rs886040740, ClinGen allele CA10589463.
Genomic context (GRCh38, chr13:32,363,207, plus strand): 5'-CCTAAAATATGCATTTTTGTTTTCACTTTTAGATATGATACGGAAATTGATAGAAGCAGA[AGATCGGCTATAAAAAAGATAATG>A]GAAAGGGATGACACAGCTGCAAAAACACTTGTTCTCTGTGTTTCTGACATAATTTCATTG-3'

ClinVar aggregate classification (germline): Pathogenic (3 of 4 stars; one submission).

Conditions:
Breast-ovarian cancer, familial, susceptibility to, 2 (BROVCA2). Also called: BRCA2 Hereditary Breast and Ovarian Cancer. Identifiers: Orphanet 145, MedGen C2675520, MONDO:0012933, OMIM 612555. Disease mechanism: loss of function.

Submission:

Evidence-based Network for the Interpretation of Germline Mutant Alleles (ENIGMA)
Classification: Pathogenic for Breast-ovarian cancer, familial, susceptibility to, 2. Last evaluated: 2016-10-18. Review status: reviewed by expert panel. Criteria: ENIGMA BRCA1/2 Classification Criteria (2015). Collection method: curation. Allele origin: germline.
Comment: Variant allele predicted to encode a truncated non-functional protein.